The following is an entry in ClinVar:

ClinVar aggregate classification (germline): Uncertain significance. Review status: criteria provided, multiple submitters, no conflicts (2 of 4 stars). 2 submissions from 2 submitters: Uncertain significance (2). Last evaluated 2022-11-22.

Conditions:
Inborn genetic diseases. Identifiers: MedGen C0950123, MeSH D030342.

Allele frequency attached by ClinVar (database versions not stated): gnomAD exomes below 0.00001; ExAC 0.00001; gnomAD 0.00002; TOPMed 0.00005.
gnomAD v4.1: 7 of 1,614,100 alleles (0.00043%); highest among the groups gnomAD compares: Admixed American, 0.0083%; no homozygotes.

Submissions (2):

Labcorp Genetics (formerly Invitae), Labcorp
Classification: Uncertain significance. Last evaluated: 2022-11-22. Review status: criteria provided, single submitter. Criteria: Invitae Variant Classification Sherloc (09022015). Collection method: clinical testing. Allele origin: germline.
Comment: In summary, the available evidence is currently insufficient to determine the role of this variant in disease. Therefore, it has been classified as a Variant of Uncertain Significance. Advanced modeling of protein sequence and biophysical properties (such as structural, functional, and spatial information, amino acid conservation, physicochemical variation, residue mobility, and thermodynamic stability) performed at Invitae indicates that this missense variant is expected to disrupt CYP4V2 protein function. This variant has not been reported in the literature in individuals affected with CYP4V2-related conditions. This variant is present in population databases (rs750786304, gnomAD 0.009%). This sequence change replaces phenylalanine, which is neutral and non-polar, with cysteine, which is neutral and slightly polar, at codon 398 of the CYP4V2 protein (p.Phe398Cys).

Ambry Genetics
Classification: Uncertain significance for Inborn genetic diseases. Last evaluated: 2022-02-02. Review status: criteria provided, single submitter. Criteria: Ambry Variant Classification Scheme 2023. Collection method: clinical testing. Allele origin: germline.

NM_207352.4(CYP4V2):c.1193T>G (p.Phe398Cys)

Gene: CYP4V2 (cytochrome P450 family 4 subfamily V member 2; plus strand). Cytogenetic location: 4q35.2.
Variant type: single nucleotide variant.
Coding change: c.1193T>G on transcript NM_207352.4 (MANE Select); coding-DNA position 1193, T replaced by G.
Protein change: p.Phe398Cys; replaces phenylalanine 398 with cysteine.
Molecular consequence: missense variant.
Genome position (GRCh38, 1-based): chr4:186,208,967, T>G. VCF-style: chr4-186208967-T-G. GRCh37 (hg19) VCF-style: chr4-187130121-T-G.
Other names: short protein forms F398C.
Identifiers: ClinVar variation 1924379 (VCV001924379.6), dbSNP rs750786304, ClinGen allele CA3162779.